The following is an entry in ClinVar:

NM_001386298.1(CIC):c.2918A>C (p.His973Pro)

Gene: CIC (capicua transcriptional repressor; plus strand). Cytogenetic location: 19q13.2.
Variant type: single nucleotide variant.
Coding change: c.2918A>C on transcript NM_001386298.1 (MANE Select); coding-DNA position 2918, A replaced by C.
Protein change: p.His973Pro; replaces histidine 973 with proline.
Molecular consequence: missense variant.
Genome position (GRCh38, 1-based): chr19:42,286,894, A>C. VCF-style: chr19-42286894-A-C. GRCh37 (hg19) VCF-style: chr19-42791046-A-C.
Other names: c.2918A>C, p.His973Pro (NM_001304815.2, NM_001379480.1, NM_001379482.1 and 6 more transcripts); c.191A>C, p.His64Pro (NM_001379484.1, NM_001379485.1, NM_015125.5 and 3 more transcripts); short protein forms H64P, H973P.
Identifiers: ClinVar variation 4527433 (VCV004527433.1).

ClinVar aggregate classification (germline): Uncertain significance (1 of 4 stars; one submission).

Submission:

GeneDx
Classification: Uncertain significance. Last evaluated: 2025-04-21. Review status: criteria provided, single submitter. Criteria: GeneDx Variant Classification Process June 2021. Collection method: clinical testing. Allele origin: germline. Affected: yes.
Comment: Not observed at significant frequency in large population cohorts (gnomAD); In silico analysis supports that this missense variant has a deleterious effect on protein structure/function; Has not been previously published as pathogenic or benign to our knowledge